The following is an entry in ClinVar:

NM_014991.6(WDFY3):c.7370T>A (p.Val2457Glu)

Gene: WDFY3 (WD repeat and FYVE domain containing 3; minus strand). Cytogenetic location: 4q21.23.
Variant type: single nucleotide variant.
Coding change: c.7370T>A on transcript NM_014991.6 (MANE Select); coding-DNA position 7370, T replaced by A.
Protein change: p.Val2457Glu; replaces valine 2457 with glutamic acid.
Molecular consequence: missense variant.
Genome position (GRCh38, 1-based): chr4:84,724,497, A>T on the plus strand (T>A on the coding strand, the complement: WDFY3 is on the minus strand). VCF-style: chr4-84724497-A-T. GRCh37 (hg19) VCF-style: chr4-85645650-A-T.
Other names: short protein forms V2457E.
Identifiers: ClinVar variation 3332655 (VCV003332655.2).
Genomic context (GRCh38, chr4:84,724,497, plus strand): 5'-GCAATAGTGTCTTCCCCATGCTCTGGTTCTTGCTGAGCAGCTTCACCTTCTGAACTCTCC[A>T]CAATGGCGTCTTGGACAATGGCGGGATTGCCAGAGGCCAGTCGCATGTAGTACTCTTTAC-3'
Protein context (NP_055806.2, residues 2447-2467): GNPAIVQDAI[Val2457Glu]ESSEGEAAQQ

ClinVar aggregate classification (germline): Uncertain significance. Review status: criteria provided, multiple submitters, no conflicts (2 of 4 stars). 2 submissions from 2 submitters: Uncertain significance (2). Last evaluated 2024-06-18.

Conditions:
Inborn genetic diseases. Identifiers: MedGen C0950123, MeSH D030342.

Submissions (2):

Ambry Genetics
Classification: Uncertain significance for Inborn genetic diseases. Last evaluated: 2024-06-18. Review status: criteria provided, single submitter. Criteria: Ambry Variant Classification Scheme 2023. Collection method: clinical testing. Allele origin: germline.

GeneDx
Classification: Uncertain significance. Last evaluated: 2024-03-05. Review status: criteria provided, single submitter. Criteria: GeneDx Variant Classification Process June 2021. Collection method: clinical testing. Allele origin: germline. Affected: yes.
Comment: Not observed at significant frequency in large population cohorts (gnomAD); In silico analysis supports that this missense variant does not alter protein structure/function; Has not been previously published as pathogenic or benign to our knowledge